The following is an entry in ClinVar:

NM_000070.3(CAPN3):c.553T>G (p.Tyr185Asp)

Gene: CAPN3 (calpain 3; plus strand). Cytogenetic location: 15q15.1.
Variant type: single nucleotide variant.
Coding change: c.553T>G on transcript NM_000070.3 (MANE Select); coding-DNA position 553, T replaced by G.
Protein change: p.Tyr185Asp; replaces tyrosine 185 with aspartic acid.
Molecular consequence: missense variant.
Genome position (GRCh38, 1-based): chr15:42,387,807, T>G. VCF-style: chr15-42387807-T-G. GRCh37 (hg19) VCF-style: chr15-42680005-T-G.
Other names: c.553T>G, p.Tyr185Asp (NM_024344.2, NM_173087.2); short protein forms Y185D.
Identifiers: ClinVar variation 598304 (VCV000598304.8), dbSNP rs1566975069, ClinGen allele CA391997858.

ClinVar aggregate classification (germline): Uncertain significance. Review status: criteria provided, multiple submitters, no conflicts (2 of 4 stars). 2 submissions from 2 submitters: Uncertain significance (2). Last evaluated 2023-06-30.

Conditions:
Autosomal recessive limb-girdle muscular dystrophy type 2A (LGMDR1). Also called: Limb-girdle muscular dystrophy, type 2A; Muscular dystrophy, limb-girdle, type 2A, Amish; LEYDEN-MOEBIUS MUSCULAR DYSTROPHY; MUSCULAR DYSTROPHY, PELVOFEMORAL; Calpainopathy. Identifiers: Orphanet 267, MedGen C1869123, MONDO:0009675, OMIM 253600. Disease mechanism: loss of function.

Submissions (2):

Labcorp Genetics (formerly Invitae), Labcorp
Classification: Uncertain significance for Autosomal recessive limb-girdle muscular dystrophy type 2A. Last evaluated: 2023-06-30. Review status: criteria provided, single submitter. Criteria: Invitae Variant Classification Sherloc (09022015). Collection method: clinical testing. Allele origin: germline.
Comment: In summary, the available evidence is currently insufficient to determine the role of this variant in disease. Therefore, it has been classified as a Variant of Uncertain Significance. Advanced modeling of protein sequence and biophysical properties (such as structural, functional, and spatial information, amino acid conservation, physicochemical variation, residue mobility, and thermodynamic stability) performed at Invitae indicates that this missense variant is not expected to disrupt CAPN3 protein function. ClinVar contains an entry for this variant (Variation ID: 598304). This variant has not been reported in the literature in individuals affected with CAPN3-related conditions. This variant is not present in population databases (gnomAD no frequency). This sequence change replaces tyrosine, which is neutral and polar, with aspartic acid, which is acidic and polar, at codon 185 of the CAPN3 protein (p.Tyr185Asp).

Eurofins Ntd Llc (ga)
Classification: Uncertain significance. Last evaluated: 2018-08-13. Review status: criteria provided, single submitter. Criteria: EGL ClinVar v180209 classification definitions. Collection method: clinical testing. Allele origin: germline. Observed: 1 variant allele, 1 homozygote.